The following is an entry in ClinVar:

ClinVar aggregate classification (germline): Conflicting classifications of pathogenicity. Review status: criteria provided, conflicting classifications (1 of 4 stars). 3 submissions from 3 submitters: Uncertain significance (1); Likely benign (1). 1 of the submissions does not count toward it. Last evaluated 2024-01-25.

Conditions:
Maturity-onset diabetes of the young (MODY). Also called: Maturity onset diabetes mellitus in young. Identifiers: Orphanet 552, MedGen C0342276, MONDO:0018911, HP:0004904.
Permanent neonatal diabetes mellitus (PNDM). Identifiers: Orphanet 99885, MedGen C1833104, MONDO:0100164, MONDO:0011643. Disease mechanism: gain of function.

Allele frequency attached by ClinVar (database versions not stated): gnomAD exomes 0.00001; ExAC 0.00002.

Submissions (3):

Labcorp Genetics (formerly Invitae), Labcorp
Classification: Likely benign. Last evaluated: 2024-01-25. Review status: criteria provided, single submitter. Criteria: Invitae Variant Classification Sherloc (09022015). Collection method: clinical testing. Allele origin: germline.

Clinical Genomics, Uppaluri K&H Personalized Medicine Clinic
Classification: Uncertain significance for Maturity-onset diabetes of the young. Review status: criteria provided, single submitter. Criteria: K&H Uppaluri Personalized Medicine Clinic Variant Classification & Assertion Criteria. Collection method: research. Allele origin: somatic. Inheritance: Autosomal dominant inheritance.
Comment: Mutations in KCNJ11 gene can cause decreased production and secretion of insulin. This can lead to MODY which may be responsive to oral sulfonylureas. It is also associated with Neonatal Diabetes. However, no sufficient evidence is found to ascertain the role of rs746308356 variant in MODY yet.

Natera, Inc.
Classification: Uncertain significance for Permanent neonatal diabetes mellitus. Last evaluated: 2020-08-29. Review status: no assertion criteria provided. Collection method: clinical testing. Allele origin: germline. Not counted in ClinVar's aggregate classification.

Literature cited by the submitters: PubMed 26448950 (cited by Clinical Genomics, Uppaluri K&H Personalized Medicine Clinic); PubMed 15580558 (cited by Clinical Genomics, Uppaluri K&H Personalized Medicine Clinic); PubMed 15718250 (cited by Clinical Genomics, Uppaluri K&H Personalized Medicine Clinic); PubMed 32935446 (cited by Clinical Genomics, Uppaluri K&H Personalized Medicine Clinic); PubMed 22701567 (cited by Clinical Genomics, Uppaluri K&H Personalized Medicine Clinic).

NM_000525.4(KCNJ11):c.684C>T (p.Gly228=)

Gene: KCNJ11 (potassium inwardly rectifying channel subfamily J member 11; minus strand). Cytogenetic location: 11p15.1.
Variant type: single nucleotide variant.
Coding change: c.684C>T on transcript NM_000525.4 (MANE Select); coding-DNA position 684, C replaced by T.
Protein change: p.Gly228=; no amino-acid change (glycine 228 retained).
Molecular consequence: synonymous variant.
Genome position (GRCh38, 1-based): chr11:17,387,408, G>A on the plus strand (C>T on the coding strand, the complement: KCNJ11 is on the minus strand). VCF-style: chr11-17387408-G-A. GRCh37 (hg19) VCF-style: chr11-17408955-G-A.
Other names: c.423C>T, p.Gly141= (NM_001166290.2, NM_001377296.1, NM_001377297.1).
Identifiers: ClinVar variation 992027 (VCV000992027.10), dbSNP rs746308356, ClinGen allele CA5902263.
Genomic context (GRCh38, chr11:17,387,408, plus strand): 5'-GCTGTTGCCACCCACGCCGTTCTCCATGGGGATGTCCACCTGGTGGAGGGGCACCACCTC[G>A]CCCTCGGGGCTGGTGGTCTTGCGTACCACCTGCATGTGGATGGTGGCGCTGATGATCATG-3'
Protein context (NP_000516.3, residues 218-238): QVVRKTTSPE[Gly228=]EVVPLHQVDI